The following is an entry in ClinVar:

NM_014000.3(VCL):c.2341G>A (p.Glu781Lys)

Gene: VCL (vinculin; plus strand). Cytogenetic location: 10q22.2.
Variant type: single nucleotide variant.
Coding change: c.2341G>A on transcript NM_014000.3 (MANE Select); coding-DNA position 2341, G replaced by A.
Protein change: p.Glu781Lys; replaces glutamic acid 781 with lysine.
Molecular consequence: missense variant.
Genome position (GRCh38, 1-based): chr10:74,105,260, G>A. VCF-style: chr10-74105260-G-A. GRCh37 (hg19) VCF-style: chr10-75865018-G-A.
Other names: c.2341G>A, p.Glu781Lys (NM_003373.4); short protein forms E781K.
Identifiers: ClinVar variation 4731898 (VCV004731898.1).
Genomic context (GRCh38, chr10:74,105,260, plus strand): 5'-AACCGGATCCTGCTGGTGGCTAAGAGGGAGGTGGAGAATTCCGAGGATCCCAAGTTCCGT[G>A]AGGCTGTGAAAGCTGCCTCTGATGAATTGAGCAAAACCATCTCCCCGATGGTGATGGATG-3'
Protein context (NP_054706.1, residues 771-791): VENSEDPKFR[Glu781Lys]AVKAASDELS

ClinVar aggregate classification (germline): Uncertain significance (1 of 4 stars; one submission).

Conditions:
Dilated cardiomyopathy 1W (CMD1W). Identifiers: Orphanet 154, MedGen C1969639, MONDO:0012667, OMIM 611407.

gnomAD v4.1: 2 of 1,614,048 alleles (0.00012%); highest among the groups gnomAD compares: South Asian, 0.0011%; no homozygotes.

Submission:

Labcorp Genetics (formerly Invitae), Labcorp
Classification: Uncertain significance for Dilated cardiomyopathy 1W. Last evaluated: 2025-11-24. Review status: criteria provided, single submitter. Criteria: Invitae Variant Classification Sherloc (09022015). Collection method: clinical testing. Allele origin: germline.
Comment: This sequence change replaces glutamic acid, which is acidic and polar, with lysine, which is basic and polar, at codon 781 of the VCL protein (p.Glu781Lys). This variant is present in population databases (no rsID available, gnomAD 0.003%). This variant has not been reported in the literature in individuals affected with VCL-related conditions. An algorithm developed to predict the effect of missense changes on protein structure and function (PolyPhen-2) suggests that this variant is likely to be tolerated. In summary, the available evidence is currently insufficient to determine the role of this variant in disease. Therefore, it has been classified as a Variant of Uncertain Significance.